The following is an entry in ClinVar:

ClinVar aggregate classification (germline): Benign. Review status: criteria provided, multiple submitters, no conflicts (2 of 4 stars). 19 submissions from 14 submitters: Benign (15). 4 of the submissions do not count toward it. Last evaluated 2026-02-03.

Conditions:
Retinal dystrophy. Also called: Inherited retinal dystrophy. Identifiers: Orphanet 71862, MedGen C0854723, MeSH D058499, MONDO:0019118, HP:0000556.
Retinitis pigmentosa (RP). Identifiers: Orphanet 791, MedGen C0035334, MeSH D012174, MONDO:0019200, OMIM 268000. Inheritance: Autosomal dominant, autosomal recessive and X linked inheritance.
Autosomal recessive bestrophinopathy. Also called: Autosomal Recessive Bestrophinopathy (ARB). Identifiers: Orphanet 139455, MedGen C3888198, MONDO:0012733, OMIM 611809.
Vitelliform macular dystrophy 2. Also called: Best Macular Dystrophy; Best vitelliform macular dystrophy, multifocal; Best Vitelliform Macular Dystrophy (BVMD); MACULAR DEGENERATION, POLYMORPHIC VITELLINE; VITELLIFORM MACULAR DYSTROPHY, EARLY-ONSET; VITELLIFORM MACULAR DYSTROPHY, JUVENILE-ONSET. Identifiers: Orphanet 1243, MedGen C2745945, MONDO:0007931, OMIM 153700.
Retinitis pigmentosa 50 (RP50). Also called: Retinitis pigmentosa, concentric. Identifiers: Orphanet 791, MedGen C2750789, MONDO:0013175, OMIM 613194.
Autosomal dominant vitreoretinochoroidopathy. Also called: VITREORETINOCHOROIDOPATHY, AUTOSOMAL DOMINANT, WITH NANOPHTHALMOS; Autosomal Dominant Vitreoretinochoroidopathy (ADVIRC); VITREORETINOCHOROIDOPATHY WITH MICROCORNEA, GLAUCOMA, AND CATARACT. Identifiers: Orphanet 263347, Orphanet 3086, MedGen C3888099, MONDO:0008662, OMIM 193220.

Allele frequency attached by ClinVar (database versions not stated): gnomAD exomes 0.37886 and 0.48773; ESP Exome Variant Server 0.44732; gnomAD 0.48331 and 0.49496; ExAC 0.48471; TOPMed 0.50275; 1000 Genomes Project 30x 0.67817; 1000 Genomes Project 0.68051.

Submissions (19):

Labcorp Genetics (formerly Invitae), Labcorp
Classification: Benign. Last evaluated: 2026-02-03. Review status: criteria provided, single submitter. Criteria: Invitae Variant Classification Sherloc (09022015). Collection method: clinical testing. Allele origin: germline.

Blueprint Genetics
Classification: Benign. Last evaluated: 2024-11-27. Review status: criteria provided, single submitter. Criteria: ACMG Guidelines, 2015. Collection method: clinical testing. Allele origin: germline.

ARUP Laboratories, Molecular Genetics and Genomics, ARUP Laboratories
Classification: Benign. Last evaluated: 2023-11-29. Review status: criteria provided, single submitter. Criteria: ARUP Molecular Germline Variant Investigation Process 2024. Collection method: clinical testing. Allele origin: germline.

Dept Of Ophthalmology, Nagoya University
Classification: Benign for Retinal dystrophy. Last evaluated: 2023-10-01. Review status: criteria provided, single submitter. Criteria: Submitter's publication. Collection method: research. Allele origin: germline. Affected: yes.

Genome-Nilou Lab
Classification: Benign for Autosomal dominant vitreoretinochoroidopathy. Last evaluated: 2021-07-14. Review status: criteria provided, single submitter. Criteria: ACMG Guidelines, 2015. Collection method: clinical testing. Allele origin: germline. Affected: no.

Genome-Nilou Lab
Classification: Benign for Vitelliform macular dystrophy 2. Last evaluated: 2021-07-14. Review status: criteria provided, single submitter. Criteria: ACMG Guidelines, 2015. Collection method: clinical testing. Allele origin: germline. Affected: no.

Genome-Nilou Lab
Classification: Benign for Retinitis pigmentosa 50. Last evaluated: 2021-07-14. Review status: criteria provided, single submitter. Criteria: ACMG Guidelines, 2015. Collection method: clinical testing. Allele origin: germline. Affected: no.

Genome-Nilou Lab
Classification: Benign for Autosomal recessive bestrophinopathy. Last evaluated: 2021-07-14. Review status: criteria provided, single submitter. Criteria: ACMG Guidelines, 2015. Collection method: clinical testing. Allele origin: germline. Affected: no.

Illumina Laboratory Services, Illumina
Classification: Benign for Retinitis pigmentosa. Last evaluated: 2018-01-13. Review status: criteria provided, single submitter. Criteria: ICSL Variant Classification Criteria 13 December 2019. Collection method: clinical testing. Allele origin: germline.
Comment: This variant was observed in the ICSL laboratory as part of a predisposition screen in an ostensibly healthy population. It had not been previously curated by ICSL or reported in the Human Gene Mutation Database (HGMD: prior to June 1st, 2018), and was therefore a candidate for classification through an automated scoring system. Utilizing variant allele frequency, disease prevalence and penetrance estimates, and inheritance mode, an automated score was calculated to assess if this variant is too frequent to cause the disease. Based on the score and internal cut-off values, a variant classified as benign is not then subjected to further curation. The score for this variant resulted in a classification of benign for this disease.

Illumina Laboratory Services, Illumina
Classification: Benign for Autosomal dominant vitreoretinochoroidopathy. Last evaluated: 2018-01-13. Review status: criteria provided, single submitter. Criteria: ICSL Variant Classification Criteria 13 December 2019. Collection method: clinical testing. Allele origin: germline.
Comment: the same text as in the submission from Illumina Laboratory Services, Illumina above.

Illumina Laboratory Services, Illumina
Classification: Benign for Vitelliform macular dystrophy 2. Last evaluated: 2018-01-13. Review status: criteria provided, single submitter. Criteria: ICSL Variant Classification Criteria 13 December 2019. Collection method: clinical testing. Allele origin: germline.
Comment: the same text as in the submission from Illumina Laboratory Services, Illumina above.

Eurofins Ntd Llc (ga)
Classification: Benign. Last evaluated: 2017-02-28. Review status: criteria provided, single submitter. Criteria: EGL Classification Definitions 2015. Collection method: clinical testing. Allele origin: germline. Observed: 3 variant alleles, 3 heterozygotes.

GeneDx
Classification: Benign. Last evaluated: 2015-03-03. Review status: criteria provided, single submitter. Criteria: GeneDx Variant Classification Process June 2021. Collection method: clinical testing. Allele origin: germline. Affected: yes.

Breakthrough Genomics
Classification: Benign. Review status: criteria provided, single submitter. Criteria: ACMG Guidelines, 2015. Collection method: not provided. Allele origin: germline. Inheritance: Autosomal dominant inheritance. Affected: yes.

PreventionGenetics, part of Exact Sciences
Classification: Benign. Review status: criteria provided, single submitter. Criteria: ACMG Guidelines, 2015. Collection method: clinical testing. Allele origin: germline.

Clinical Genetics DNA and cytogenetics Diagnostics Lab, Erasmus MC, Erasmus Medical Center
Classification: Benign. Review status: no assertion criteria provided. Collection method: clinical testing. Allele origin: germline. Affected: yes. Study: VKGL Data-share Consensus. Not counted in ClinVar's aggregate classification.

Diagnostic Laboratory, Department of Genetics, University Medical Center Groningen
Classification: Benign. Review status: no assertion criteria provided. Collection method: clinical testing. Allele origin: germline. Affected: yes. Study: VKGL Data-share Consensus. Not counted in ClinVar's aggregate classification.

Joint Genome Diagnostic Labs from Nijmegen and Maastricht, Radboudumc and MUMC+
Classification: Benign. Review status: no assertion criteria provided. Collection method: clinical testing. Allele origin: germline. Affected: yes. Study: VKGL Data-share Consensus. Not counted in ClinVar's aggregate classification.

Retina International
No classification provided. Review status: no classification provided. Collection method: not provided. Allele origin: unknown. Not counted in ClinVar's aggregate classification.

NM_004183.4(BEST1):c.109T>C (p.Leu37=)

Gene: BEST1 (bestrophin 1; plus strand). Cytogenetic location: 11q12.3.
Variant type: single nucleotide variant.
Coding change: c.109T>C on transcript NM_004183.4 (MANE Select); coding-DNA position 109, T replaced by C.
Protein change: p.Leu37=; no amino-acid change (leucine 37 retained).
Molecular consequence: synonymous variant. On other transcripts: non-coding transcript variant (1), intron variant (6).
Genome position (GRCh38, 1-based): chr11:61,951,915, T>C. VCF-style: chr11-61951915-T-C. GRCh37 (hg19) VCF-style: chr11-61719387-T-C.
Other names: c.109T>C, p.Leu37= (NM_001363592.2, NM_001440571.1, NM_001440572.1 and 1 more transcripts); c.-29+1488T>C (NM_001139443.3, NM_001300787.2, NM_001440574.1 and 3 more transcripts).
Identifiers: ClinVar variation 99678 (VCV000099678.39), dbSNP rs1800007, ClinGen allele CA179803.